The following is an entry in ClinVar:

ClinVar aggregate classification (germline): Uncertain significance (1 of 4 stars; one submission).

Conditions:
Hereditary cancer-predisposing syndrome. Also called: Neoplastic Syndromes, Hereditary; Tumor predisposition; Hereditary neoplastic syndrome; Hereditary Cancer Syndrome. Identifiers: Orphanet 140162, MedGen C0027672, MeSH D009386, MONDO:0015356.

Submission:

Ambry Genetics
Classification: Uncertain significance for Hereditary cancer-predisposing syndrome. Last evaluated: 2026-07-07. Review status: criteria provided, single submitter. Criteria: Ambry Variant Classification Scheme 2023. Collection method: clinical testing. Allele origin: germline.
Comment: The p.R354I variant (also known as c.1061G>T), located in coding exon 4 of the AXIN2 gene, results from a G to T substitution at nucleotide position 1061. The arginine at codon 354 is replaced by isoleucine, an amino acid with similar properties. This amino acid position is conserved. In addition, this alteration is predicted to be deleterious by in silico analysis. Based on the available evidence, the clinical significance of this variant remains unclear.

NM_004655.4(AXIN2):c.1061G>T (p.Arg354Ile)

Gene: AXIN2 (axin 2; minus strand). Cytogenetic location: 17q24.1.
Variant type: single nucleotide variant.
Coding change: c.1061G>T on transcript NM_004655.4 (MANE Select); coding-DNA position 1061, G replaced by T.
Protein change: p.Arg354Ile; replaces arginine 354 with isoleucine.
Molecular consequence: missense variant.
Genome position (GRCh38, 1-based): chr17:65,538,342, C>A on the plus strand (G>T on the coding strand, the complement: AXIN2 is on the minus strand). VCF-style: chr17-65538342-C-A. GRCh37 (hg19) VCF-style: chr17-63534460-C-A.
Other names: c.1061G>T, p.Arg354Ile (NM_001363813.1); short protein forms R354I.
Identifiers: ClinVar variation 5032645 (VCV005032645.1).
Genomic context (GRCh38, chr17:65,538,342, plus strand): 5'-AGCTCAGCTGCAAAGGTGGCGGGTTCCACGGGGGTCATCTCCTTGGGCAGGCGGTGGGTT[C>A]TCTACAGGACGTGGAAAGGAAAGGGAGGAGGCACGTTCAGCAGGCTAGGTGGGCGGTGGC-3'
Protein context (NP_004646.3, residues 344-364): NGQVSLPHFP[Arg354Ile]THRLPKEMTP